The following is an entry in ClinVar:

ClinVar aggregate classification (germline): Uncertain significance (1 of 4 stars; one submission).

Submission:

GeneDx
Classification: Uncertain significance. Last evaluated: 2014-06-12. Review status: criteria provided, single submitter. Criteria: GeneDx Variant Classification (06012015). Collection method: clinical testing. Allele origin: germline. Affected: yes.
Comment: p.Pro890Ser (CCA>TCA): c.2668 C>T in exon 39 of the COL3A1 gene (NM_000090.3) At least 95% of patients with autosomal dominant Ehlers-Danlos syndrome type IV have been reported to have a mutation in the COL3A1 gene (Pepin M et al., 2011). A variant of unknown significance has been identified in the COL3A1 gene. The P890S variant has not been published as a mutation or been reported as a benign polymorphism to our knowledge. The P890S variant was not observed in approximately 6,500 individuals of European and African American ancestry in the NHLBI Exome Sequencing Project, indicating it is not a common benign variant in these populations. The P890S variant is a non-conservative amino acid substitution, which is likely to impact secondary protein structure as these residues differ in polarity, charge, size and/or other properties. This substitution occurs at a position that is fully conserved in mammals. Missense mutations in nearby residues (G882G, G894D, G900D) have been reported in association with Ehlers-Danlos syndrome type IV, supporting the functional importance of this region of the protein. However, in silico analysis is not consistent in its predictions but at least two algorithms concur that P890S likely does not alter the protein structure/function. Therefore, based on the currently available information, it is unclear whether this variant is a pathogenic mutation or a rare benign variant. The variant is found in TAAD panel(s).

NM_000090.4(COL3A1):c.2668C>T (p.Pro890Ser)

Gene: COL3A1 (collagen type III alpha 1 chain; plus strand). Cytogenetic location: 2q32.2.
Variant type: single nucleotide variant.
Coding change: c.2668C>T on transcript NM_000090.4 (MANE Select); coding-DNA position 2668, C replaced by T.
Protein change: p.Pro890Ser; replaces proline 890 with serine.
Molecular consequence: missense variant.
Genome position (GRCh38, 1-based): chr2:189,003,988, C>T. VCF-style: chr2-189003988-C-T. GRCh37 (hg19) VCF-style: chr2-189868714-C-T.
Other names: p.P890S:CCA>TCA; short protein forms P890S.
Identifiers: ClinVar variation 199734 (VCV000199734.2), dbSNP rs794728053, ClinGen allele CA005585.